The following is an entry in ClinVar:

ClinVar aggregate classification (germline): Uncertain significance (1 of 4 stars; one submission).

Allele frequency attached by ClinVar (database versions not stated): ExAC 0.00001; gnomAD exomes below 0.00001.
gnomAD v4.1: 1 of 1,599,732 alleles (0.000063%); highest among the groups gnomAD compares: East Asian, 0.0022%; no homozygotes.

Submission:

GeneDx
Classification: Uncertain significance. Last evaluated: 2021-10-13. Review status: criteria provided, single submitter. Criteria: GeneDx Variant Classification Process June 2021. Collection method: clinical testing. Allele origin: germline. Affected: yes.
Comment: Has not been previously published as pathogenic or benign to our knowledge; In silico analysis supports that this missense variant does not alter protein structure/function; In silico analysis, which includes splice predictors and evolutionary conservation, suggests this variant may impact gene splicing. In the absence of RNA/functional studies, the actual effect of this sequence change is unknown.; Not observed at significant frequency in large population cohorts (Lek 2016); This variant is associated with the following publications: (PMID: 19782031, 22419737)

NM_007194.4(CHEK2):c.791C>T (p.Ala264Val)

Gene: CHEK2 (checkpoint kinase 2; minus strand). Cytogenetic location: 22q12.1.
Variant type: single nucleotide variant.
Coding change: c.791C>T on transcript NM_007194.4 (MANE Select); coding-DNA position 791, C replaced by T.
Protein change: p.Ala264Val; replaces alanine 264 with valine.
Molecular consequence: missense variant.
Genome position (GRCh38, 1-based): chr22:28,711,910, G>A on the plus strand (C>T on the coding strand, the complement: CHEK2 is on the minus strand). VCF-style: chr22-28711910-G-A. GRCh37 (hg19) VCF-style: chr22-29107898-G-A.
Other names: c.791C>T, p.Ala264Val (NM_145862.3); c.920C>T, p.Ala307Val (NM_001005735.3); c.128C>T, p.Ala43Val (NM_001257387.3); c.590C>T, p.Ala197Val (NM_001349956.3); short protein forms A197V, A264V, A307V, A43V.
Identifiers: ClinVar variation 1317495 (VCV001317495.2), dbSNP rs765216307, ClinGen allele CA10167878.